The following is an entry in ClinVar:

NM_003982.4(SLC7A7):c.460C>T (p.Pro154Ser)

Gene: SLC7A7 (solute carrier family 7 member 7; minus strand). Cytogenetic location: 14q11.2.
Variant type: single nucleotide variant.
Coding change: c.460C>T on transcript NM_003982.4 (MANE Select); coding-DNA position 460, C replaced by T.
Protein change: p.Pro154Ser; replaces proline 154 with serine.
Molecular consequence: missense variant.
Genome position (GRCh38, 1-based): chr14:22,812,939, G>A on the plus strand (C>T on the coding strand, the complement: SLC7A7 is on the minus strand). VCF-style: chr14-22812939-G-A. GRCh37 (hg19) VCF-style: chr14-23282148-G-A.
Other names: c.460C>T, p.Pro154Ser (NM_001126105.3, NM_001126106.4); c.460C>T (NM_001126106.2); short protein forms P154S.
Identifiers: ClinVar variation 1350650 (VCV001350650.7), dbSNP rs370225997, ClinGen allele CA7104705.
Genomic context (GRCh38, chr14:22,812,939, plus strand): 5'-TCCTACCCCAGCCCCACTTACAAATGCAGGCAGCAGCCAGCAGGCGGCTGGCAGCATAAG[G>A]GGCGAAGCAGCTCGGGAAGAGAGGCTGTACCATGTAGTTGGCAAAGGTGATGGCAATGAT-3'
Protein context (NP_003973.3, residues 144-164): VQPLFPSCFA[Pro154Ser]YAASRLLAAA

ClinVar aggregate classification (germline): Uncertain significance. Review status: criteria provided, multiple submitters, no conflicts (2 of 4 stars). 2 submissions from 2 submitters: Uncertain significance (2). Last evaluated 2025-04-07.

Conditions:
Inborn genetic diseases. Identifiers: MedGen C0950123, MeSH D030342.
Lysinuric protein intolerance (LPI). Identifiers: Orphanet 470, MedGen C0268647, MONDO:0009109, OMIM 222700.

Allele frequency attached by ClinVar (database versions not stated): ExAC 0.00001; gnomAD exomes 0.00001; gnomAD 0.00005; ESP Exome Variant Server 0.00008.

Submissions (2):

Labcorp Genetics (formerly Invitae), Labcorp
Classification: Uncertain significance for Lysinuric protein intolerance. Last evaluated: 2025-04-07. Review status: criteria provided, single submitter. Criteria: Invitae Variant Classification Sherloc (09022015). Collection method: clinical testing. Allele origin: germline.
Comment: This sequence change replaces proline, which is neutral and non-polar, with serine, which is neutral and polar, at codon 154 of the SLC7A7 protein (p.Pro154Ser). The frequency data for this variant in the population databases is considered unreliable, as metrics indicate poor data quality at this position in the gnomAD database. This variant has not been reported in the literature in individuals affected with SLC7A7-related conditions. ClinVar contains an entry for this variant (Variation ID: 1350650). An algorithm developed to predict the effect of missense changes on protein structure and function (PolyPhen-2) suggests that this variant is likely to be disruptive. In summary, the available evidence is currently insufficient to determine the role of this variant in disease. Therefore, it has been classified as a Variant of Uncertain Significance.

Ambry Genetics
Classification: Uncertain significance for Inborn genetic diseases. Last evaluated: 2022-03-29. Review status: criteria provided, single submitter. Criteria: Ambry Variant Classification Scheme 2023. Collection method: clinical testing. Allele origin: germline.